The following is an entry in ClinVar:

ClinVar aggregate classification (germline): Uncertain significance (1 of 4 stars; one submission).

Conditions:
Cardiovascular phenotype. Identifiers: MedGen CN230736.

gnomAD v4.1: 8 of 1,607,102 alleles (0.0005%); highest among the groups gnomAD compares: African/African-American, 0.0081%; no homozygotes.

Submission:

Ambry Genetics
Classification: Uncertain significance for Cardiovascular phenotype. Last evaluated: 2025-07-03. Review status: criteria provided, single submitter. Criteria: Ambry Variant Classification Scheme 2023. Collection method: clinical testing. Allele origin: germline.
Comment: The c.-4G>T variant is located in the 5' untranslated region (5&rsquo;UTR) of the CACNA2D1 gene. This variant results from a G to T substitution 4 nucleotides upstream from the first translated codon. This nucleotide position is highly conserved in available vertebrate species. The evidence for this gene-disease relationship is limited; therefore, the clinical significance of this alteration is unclear.

NM_000722.4(CACNA2D1):c.-4G>T

Gene: CACNA2D1 (calcium voltage-gated channel auxiliary subunit alpha2delta 1; minus strand). Cytogenetic location: 7q21.11.
Variant type: single nucleotide variant.
Coding change: c.-4G>T on transcript NM_000722.4 (MANE Select); 4 bases upstream of the start codon, G replaced by T.
Molecular consequence: 5 prime UTR variant.
Genome position (GRCh38, 1-based): chr7:82,443,463, C>A on the plus strand (G>T on the coding strand, the complement: CACNA2D1 is on the minus strand). VCF-style: chr7-82443463-C-A. GRCh37 (hg19) VCF-style: chr7-82072779-C-A.
Other names: c.-4G>T (NM_001302890.2, NM_001366867.1).
Identifiers: ClinVar variation 4217923 (VCV004217923.1).